The following is an entry in ClinVar:

ClinVar aggregate classification (germline): Benign/Likely benign. Review status: criteria provided, multiple submitters, no conflicts (2 of 4 stars). 3 submissions from 3 submitters: Benign (2); Likely benign (1). Last evaluated 2023-07-01.

Allele frequency attached by ClinVar (database versions not stated): 1000 Genomes Project 30x 0.00094; 1000 Genomes Project 0.00100; TOPMed 0.00300; ExAC 0.00383; gnomAD exomes 0.00412 and 0.00518; gnomAD 0.00423 and 0.00437; ESP Exome Variant Server 0.00469.
gnomAD v4.1: 8,142 of 1,612,958 alleles (0.5%); highest among the groups gnomAD compares: Non-Finnish European, 0.57%; 36 homozygotes.

Submissions (3):

CeGaT Center for Human Genetics Tuebingen
Classification: Likely benign. Last evaluated: 2023-07-01. Review status: criteria provided, single submitter. Criteria: CeGaT Center For Human Genetics Tuebingen Variant Classification Criteria Version 2. Collection method: clinical testing. Allele origin: germline. Affected: yes. Observed: 1 variant allele.
Comment: ENPP2: BS2

Labcorp Genetics (formerly Invitae), Labcorp
Classification: Benign. Last evaluated: 2018-06-06. Review status: criteria provided, single submitter. Criteria: Invitae Variant Classification Sherloc (09022015). Collection method: clinical testing. Allele origin: germline.

Breakthrough Genomics
Classification: Benign. Review status: criteria provided, single submitter. Criteria: ACMG Guidelines, 2015. Collection method: not provided. Allele origin: germline. Inheritance: Unknown mechanism. Affected: yes.

NM_001040092.3(ENPP2):c.2530C>T (p.Arg844Cys)

Gene: ENPP2 (ectonucleotide pyrophosphatase/phosphodiesterase 2; minus strand). Cytogenetic location: 8q24.12.
Variant type: single nucleotide variant.
Coding change: c.2530C>T on transcript NM_001040092.3 (MANE Select); coding-DNA position 2530, C replaced by T.
Protein change: p.Arg844Cys; replaces arginine 844 with cysteine.
Molecular consequence: missense variant. On other transcripts: non-coding transcript variant (1).
Genome position (GRCh38, 1-based): chr8:119,557,583, G>A on the plus strand (C>T on the coding strand, the complement: ENPP2 is on the minus strand). VCF-style: chr8-119557583-G-A. GRCh37 (hg19) VCF-style: chr8-120569823-G-A.
Other names: c.2605C>T, p.Arg869Cys (NM_001130863.3); c.2593C>T, p.Arg865Cys (NM_001330600.2); c.2686C>T, p.Arg896Cys (NM_006209.5); short protein forms R869C, R896C, R865C, R844C.
Identifiers: ClinVar variation 782143 (VCV000782143.28), dbSNP rs61738778, ClinGen allele CA4855810.